The following is an entry in ClinVar:

ClinVar aggregate classification (germline): Pathogenic. Review status: criteria provided, multiple submitters, no conflicts (2 of 4 stars). 3 submissions from 3 submitters: Pathogenic (2). 1 of the submissions does not count toward it. Last evaluated 2025-07-12.

Conditions:
Autosomal recessive nonsyndromic hearing loss 2. Also called: DEAFNESS, AUTOSOMAL RECESSIVE 2; NEUROSENSORY NONSYNDROMIC RECESSIVE DEAFNESS 2. Identifiers: Orphanet 90636, MedGen C1838701, MONDO:0010807, OMIM 600060.
Usher syndrome type 1 (USH1). Also called: RETINITIS PIGMENTOSA AND CONGENITAL DEAFNESS. Identifiers: Orphanet 231169, Orphanet 886, MedGen C1568247, MONDO:0010168, OMIM 276900.
Usher syndrome type 1B (USH1B). Also called: Usher syndrome type IB. Identifiers: MedGen C1848638, MONDO:0700087.

Allele frequency attached by ClinVar (database versions not stated): gnomAD exomes 0.00001.
gnomAD v4.1: 10 of 1,613,934 alleles (0.00062%); highest among the groups gnomAD compares: Non-Finnish European, 0.00076%; no homozygotes.

Submissions (3):

Natera, Inc.
Classification: Pathogenic for Usher syndrome type 1B. Last evaluated: 2025-07-12. Review status: criteria provided, single submitter. Criteria: Natera Variant Classification Schema (03/2026). Collection method: clinical testing. Allele origin: germline.
Comment: The c.6321G>A variant in MYO7A is a nonsense variant predicted to introduce a stop codon at amino acid 2107. This variant is expected to result in nonsense mediated decay, truncation, or a dysfunctional protein product. This variant is rare in the general population with a frequency below the threshold expected for the associated phenotype(s). This variant has been observed in one or more individuals affected with the associated recessive disease, as either homozygous or compound heterozygous with a second variant (PMID: 27460420). Given the available evidence, this variant is classified as Pathogenic.

Labcorp Genetics (formerly Invitae), Labcorp
Classification: Pathogenic. Last evaluated: 2021-09-25. Review status: criteria provided, single submitter. Criteria: Invitae Variant Classification Sherloc (09022015). Collection method: clinical testing. Allele origin: germline.
Comment: This premature translational stop signal has been observed in individual(s) with Usher Syndrome (PMID: 24618850). For these reasons, this variant has been classified as Pathogenic. ClinVar contains an entry for this variant (Variation ID: 551885). This variant is not present in population databases (ExAC no frequency). This sequence change creates a premature translational stop signal (p.Trp2107*) in the MYO7A gene. It is expected to result in an absent or disrupted protein product. Loss-of-function variants in MYO7A are known to be pathogenic (PMID: 8900236, 25404053).

Counsyl
Classification: Pathogenic for Usher syndrome type 1; Autosomal recessive nonsyndromic hearing loss 2. Last evaluated: 2017-05-16. Review status: no assertion criteria provided. Collection method: clinical testing. Allele origin: unknown. Not counted in ClinVar's aggregate classification.

Literature cited by the submitters: PubMed 27460420 (cited by Natera, Inc. and Counsyl); PubMed 24618850 (cited by Labcorp Genetics (formerly Invitae), Labcorp and Counsyl); PubMed 8900236 (cited by Labcorp Genetics (formerly Invitae), Labcorp); PubMed 25404053 (cited by Labcorp Genetics (formerly Invitae), Labcorp).

NM_000260.4(MYO7A):c.6321G>A (p.Trp2107Ter)

Gene: MYO7A (myosin VIIA; plus strand). Cytogenetic location: 11q13.5.
Variant type: single nucleotide variant.
Coding change: c.6321G>A on transcript NM_000260.4 (MANE Select); coding-DNA position 6321, G replaced by A.
Protein change: p.Trp2107Ter; replaces tryptophan 2107 with a stop codon.
Molecular consequence: nonsense.
Genome position (GRCh38, 1-based): chr11:77,211,904, G>A. VCF-style: chr11-77211904-G-A. GRCh37 (hg19) VCF-style: chr11-76922949-G-A.
Other names: c.6207G>A, p.Trp2069Ter (NM_001127180.2); c.6174G>A, p.Trp2058Ter (NM_001369365.1); short protein forms W2107*, W2069*, W2058*.
Identifiers: ClinVar variation 551885 (VCV000551885.8), dbSNP rs773945008, ClinGen allele CA224828482.